The following is an entry in ClinVar:

ClinVar aggregate classification (germline): Benign/Likely benign. Review status: criteria provided, multiple submitters, no conflicts (2 of 4 stars). 5 submissions from 5 submitters: Benign (1); Likely benign (4). Last evaluated 2026-01-14.

Conditions:
POLD1-related polyposis and colorectal cancer syndrome (CRCS10). Also called: COLORECTAL CANCER, SUSCEPTIBILITY TO, ON CHROMOSOME 19q; Colorectal cancer 10; Colorectal cancer, susceptibility to, 10. Identifiers: Orphanet 220460, MedGen C2675481, MONDO:0012953, OMIM 612591.
Hereditary cancer-predisposing syndrome. Also called: Hereditary Cancer Syndrome; Neoplastic Syndromes, Hereditary; Hereditary neoplastic syndrome; Tumor predisposition. Identifiers: Orphanet 140162, MedGen C0027672, MeSH D009386, MONDO:0015356.

Allele frequency attached by ClinVar (database versions not stated): TOPMed 0.00002.
gnomAD v4.1: 8 of 1,598,278 alleles (0.0005%); highest among the groups gnomAD compares: Admixed American, 0.012%; no homozygotes.

Submissions (5):

Labcorp Genetics (formerly Invitae), Labcorp
Classification: Likely benign for POLD1-related polyposis and colorectal cancer syndrome. Last evaluated: 2026-01-14. Review status: criteria provided, single submitter. Criteria: Invitae Variant Classification Sherloc (09022015). Collection method: clinical testing. Allele origin: germline.

Myriad Genetics, Inc.
Classification: Benign for POLD1-related polyposis and colorectal cancer syndrome. Last evaluated: 2025-02-05. Review status: criteria provided, single submitter. Criteria: Myriad Autosomal Dominant, Autosomal Recessive and X-Linked Classification Criteria (2023). Collection method: clinical testing. Allele origin: unknown.
Comment: This variant is considered benign. This variant is a silent/synonymous amino acid change and it is not expected to impact splicing.

GeneDx
Classification: Likely benign. Last evaluated: 2018-01-16. Review status: criteria provided, single submitter. Criteria: GeneDx Variant Classification (06012015). Collection method: clinical testing. Allele origin: germline. Affected: yes.
Comment: This variant is considered likely benign or benign based on one or more of the following criteria: it is a conservative change, it occurs at a poorly conserved position in the protein, it is predicted to be benign by multiple in silico algorithms, and/or has population frequency not consistent with disease.

PreventionGenetics, part of Exact Sciences
Classification: Likely benign. Last evaluated: 2017-12-21. Review status: criteria provided, single submitter. Criteria: ACMG Guidelines, 2015. Collection method: clinical testing. Allele origin: germline.

Ambry Genetics
Classification: Likely benign for Hereditary cancer-predisposing syndrome. Last evaluated: 2016-02-12. Review status: criteria provided, single submitter. Criteria: Ambry Variant Classification Scheme 2023. Collection method: clinical testing. Allele origin: germline.

NM_002691.4(POLD1):c.900G>C (p.Pro300=)

Gene: POLD1 (DNA polymerase delta 1, catalytic subunit; plus strand). Cytogenetic location: 19q13.33.
Variant type: single nucleotide variant.
Coding change: c.900G>C on transcript NM_002691.4 (MANE Select); coding-DNA position 900, G replaced by C.
Protein change: p.Pro300=; no amino-acid change (proline 300 retained).
Molecular consequence: synonymous variant. On other transcripts: non-coding transcript variant (1).
Genome position (GRCh38, 1-based): chr19:50,402,671, G>C. VCF-style: chr19-50402671-G-C. GRCh37 (hg19) VCF-style: chr19-50905928-G-C.
Other names: c.900G>C, p.Pro300= (NM_001256849.1, NM_001308632.1).
Identifiers: ClinVar variation 239375 (VCV000239375.17), dbSNP rs142407935, ClinGen allele CA9595948.